The following is an entry in ClinVar:

NM_001267550.2(TTN):c.60673G>A (p.Gly20225Arg)

Genes: TTN (titin; minus strand), TTN-AS1 (TTN antisense RNA 1; plus strand). Cytogenetic location: 2q31.2.
Variant type: single nucleotide variant.
Coding change: c.60673G>A on transcript NM_001267550.2 (MANE Select); coding-DNA position 60673, G replaced by A.
Protein change: p.Gly20225Arg; replaces glycine 20225 with arginine.
Molecular consequence: missense variant.
Genome position (GRCh38, 1-based): chr2:178,591,052, C>T on the plus strand (G>A on the coding strand, the complement: TTN is on the minus strand). VCF-style: chr2-178591052-C-T. GRCh37 (hg19) VCF-style: chr2-179455779-C-T.
Other names: c.55750G>A, p.Gly18584Arg (NM_001256850.1); c.33478G>A, p.Gly11160Arg (NM_003319.4); c.52969G>A, p.Gly17657Arg (NM_133378.4); c.33853G>A, p.Gly11285Arg (NM_133432.3); c.34054G>A, p.Gly11352Arg (NM_133437.4); short protein forms G11160R, G11285R, G11352R, G17657R, G18584R, G20225R.
Identifiers: ClinVar variation 2437554 (VCV002437554.4), dbSNP rs771598189, ClinGen allele CA1992457.
Genomic context (GRCh38, chr2:178,591,052, plus strand): 5'-GGAAAACATATTCACAGCCCTTCTGCAGATGTGGGATTTTCAGCTTTGTCTTACTGCTTC[C>T]GGAAGAGACAACACCCCACGTGTCTTTCCTTGTATCTTGTTTCTCAACAATATAATTTAT-3'
Protein context (NP_001254479.2, residues 20215-20235): RKDTWGVVSS[Gly20225Arg]SSKTKLKIPH

ClinVar aggregate classification (germline): Uncertain significance. Review status: criteria provided, multiple submitters, no conflicts (2 of 4 stars). 2 submissions from 2 submitters: Uncertain significance (2). Last evaluated 2026-03-16.

Allele frequency attached by ClinVar (database versions not stated): gnomAD 0.00001; gnomAD exomes 0.00001; TOPMed 0.00001; ExAC 0.00002.
gnomAD v4.1: 22 of 1,613,246 alleles (0.0014%); highest among the groups gnomAD compares: East Asian, 0.02%; no homozygotes.

Submissions (2):

Women's Health and Genetics/Laboratory Corporation of America, LabCorp
Classification: Uncertain significance. Last evaluated: 2026-03-16. Review status: criteria provided, single submitter. Criteria: LabCorp Variant Classification Summary - May 2015. Collection method: clinical testing. Allele origin: germline.
Comment: Variant summary: TTN c.52969G>A (p.Gly17657Arg) results in a non-conservative amino acid change in the encoded protein sequence. Algorithms developed to predict the effect of missense changes on protein structure and function are either unavailable or do not agree on the potential impact of this missense change. The variant allele was found at a frequency of 2e-05 in 247898 control chromosomes. The available data on variant occurrences in the general population are insufficient to allow any conclusion about variant significance. c.52969G>A has been observed in an individual affected with Hypertrophic Cardiomyopathy who also harbored other variants in TTN (Rao_2025). This report does not provide unequivocal conclusions about association of the variant with Cardiomyopathy or other TTN-related conditions. To our knowledge, no experimental evidence demonstrating an impact on protein function has been reported. The following publication has been ascertained in the context of this evaluation (PMID: 41128141). ClinVar contains an entry for this variant (Variation ID: 2437554). Based on the evidence outlined above, the variant was classified as uncertain significance.

Revvity Omics, Revvity
Classification: Uncertain significance. Last evaluated: 2019-11-22. Review status: criteria provided, single submitter. Criteria: ACMG Guidelines, 2015. Collection method: clinical testing. Allele origin: germline.

Literature cited by the submitters: PubMed 41128141 (cited by Women's Health and Genetics/Laboratory Corporation of America, LabCorp).